The following is an entry in ClinVar:

ClinVar aggregate classification (germline): Uncertain significance (1 of 4 stars; one submission).

Conditions:
Hereditary cancer-predisposing syndrome. Also called: Neoplastic Syndromes, Hereditary; Tumor predisposition; Hereditary Cancer Syndrome; Hereditary neoplastic syndrome. Identifiers: Orphanet 140162, MedGen C0027672, MeSH D009386, MONDO:0015356.

Submission:

Ambry Genetics
Classification: Uncertain significance for Hereditary cancer-predisposing syndrome. Last evaluated: 2025-02-19. Review status: criteria provided, single submitter. Criteria: Ambry Variant Classification Scheme 2023. Collection method: clinical testing. Allele origin: germline.
Comment: The c.-2T>C variant is located in the 5' untranslated region (5&rsquo; UTR) of the RB1 gene. This variant results from a T to C substitution 2 bases upstream from the first translated codon. This nucleotide position is highly conserved in available vertebrate species. Based on the available evidence, the clinical significance of this variant remains unclear.

NM_000321.3(RB1):c.-2T>C

Gene: RB1 (RB transcriptional corepressor 1; plus strand). Cytogenetic location: 13q14.2.
Variant type: single nucleotide variant.
Coding change: c.-2T>C on transcript NM_000321.3 (MANE Select); 2 bases upstream of the start codon, T replaced by C.
Molecular consequence: 5 prime UTR variant.
Genome position (GRCh38, 1-based): chr13:48,303,911, T>C. VCF-style: chr13-48303911-T-C. GRCh37 (hg19) VCF-style: chr13-48878047-T-C.
Other names: c.-2T>C (NM_001407165.1, NM_001407166.1, NM_001407167.1).
Identifiers: ClinVar variation 1798679 (VCV001798679.3), dbSNP rs1466986201, ClinGen allele CA2580087708.